The following is an entry in ClinVar:

ClinVar aggregate classification (germline): Uncertain significance. Review status: criteria provided, multiple submitters, no conflicts (2 of 4 stars). 2 submissions from 2 submitters: Uncertain significance (2). Last evaluated 2022-01-31.

Conditions:
Inborn genetic diseases. Identifiers: MedGen C0950123, MeSH D030342.

Allele frequency attached by ClinVar (database versions not stated): gnomAD exomes below 0.00001 and 0.00002.
gnomAD v4.1: 4 of 1,576,918 alleles (0.00025%); highest among the groups gnomAD compares: Admixed American, 0.0037%; no homozygotes.

Submissions (2):

Ambry Genetics
Classification: Uncertain significance for Inborn genetic diseases. Last evaluated: 2022-01-31. Review status: criteria provided, single submitter. Criteria: Ambry Variant Classification Scheme 2023. Collection method: clinical testing. Allele origin: germline.

Labcorp Genetics (formerly Invitae), Labcorp
Classification: Uncertain significance. Last evaluated: 2021-03-25. Review status: criteria provided, single submitter. Criteria: Invitae Variant Classification Sherloc (09022015). Collection method: clinical testing. Allele origin: germline.
Comment: Algorithms developed to predict the effect of missense changes on protein structure and function are either unavailable or do not agree on the potential impact of this missense change (SIFT: "Deleterious"; PolyPhen-2: "Probably Damaging"; Align-GVGD: "Class C0"). In summary, the available evidence is currently insufficient to determine the role of this variant in disease. Therefore, it has been classified as a Variant of Uncertain Significance. This variant has not been reported in the literature in individuals with FAM20C-related conditions. This variant is not present in population databases (ExAC no frequency). This sequence change replaces glycine with tryptophan at codon 266 of the FAM20C protein (p.Gly266Trp). The glycine residue is moderately conserved and there is a large physicochemical difference between glycine and tryptophan.

NM_020223.4(FAM20C):c.796G>T (p.Gly266Trp)

Gene: FAM20C (FAM20C golgi associated secretory pathway kinase; plus strand). Cytogenetic location: 7p22.3.
Variant type: single nucleotide variant.
Coding change: c.796G>T on transcript NM_020223.4 (MANE Select); coding-DNA position 796, G replaced by T.
Protein change: p.Gly266Trp; replaces glycine 266 with tryptophan.
Molecular consequence: missense variant.
Genome position (GRCh38, 1-based): chr7:208,909, G>T. VCF-style: chr7-208909-G-T. GRCh37 (hg19) VCF-style: chr7-208909-G-T.
Other names: c.796G>T (NM_020223.2); short protein forms G266W.
Identifiers: ClinVar variation 1429840 (VCV001429840.9), dbSNP rs796051875, ClinGen allele CA152235913.
Genomic context (GRCh38, chr7:208,909, plus strand): 5'-GGGGCGTGAGGCCAGAGAGTGACCCTGTTTCTCTCCCTCCTTCCTGCAGCCATGAAGTCG[G>T]GGGGCACGCAGCTGAAGCTCATCATGACCTTCCAGAATTACGGGCAAGCGCTGTTCAAAC-3'
Protein context (NP_064608.2, residues 256-276): QRITSVAMKS[Gly266Trp]GTQLKLIMTF